The following is an entry in ClinVar:

ClinVar aggregate classification (germline): Likely benign (1 of 4 stars; one submission).

Allele frequency attached by ClinVar (database versions not stated): gnomAD exomes below 0.00001; TOPMed below 0.00001; gnomAD 0.00001.
gnomAD v4.1: 3 of 1,613,382 alleles (0.00019%); highest among the groups gnomAD compares: Non-Finnish European, 0.00025%; no homozygotes.

Submission:

GeneDx
Classification: Likely benign. Last evaluated: 2015-12-11. Review status: criteria provided, single submitter. Criteria: GeneDx Variant Classification (06012015). Collection method: clinical testing. Allele origin: germline. Affected: yes.
Comment: This variant is considered likely benign or benign based on one or more of the following criteria: it is a conservative change, it occurs at a poorly conserved position in the protein, it is predicted to be benign by multiple in silico algorithms, and/or has population frequency not consistent with disease.

NM_005045.4(RELN):c.10181+11C>T

Genes: RELN (reelin; minus strand), SLC26A5-AS1 (SLC26A5 antisense RNA 1; plus strand). Cytogenetic location: 7q22.1.
Variant type: single nucleotide variant.
Coding change: c.10181+11C>T on transcript NM_005045.4 (MANE Select); 11 bases into the intron after coding-DNA position 10181, C replaced by T.
Molecular consequence: intron variant.
Genome position (GRCh38, 1-based): chr7:103,483,642, G>A on the plus strand (C>T on the coding strand, the complement: RELN is on the minus strand). VCF-style: chr7-103483642-G-A. GRCh37 (hg19) VCF-style: chr7-103124089-G-A.
Other names: c.10181+11C>T (NM_173054.3).
Identifiers: ClinVar variation 382037 (VCV000382037.1), dbSNP rs1057521244, ClinGen allele CA16605184.